The following is an entry in ClinVar:

NM_014704.4(CEP104):c.1745del (p.His582fs)

Genes: CEP104 (centrosomal protein 104; minus strand), LOC126805587 (BRD4-independent group 4 enhancer GRCh37_chr1:3747165-3748364; plus strand). Cytogenetic location: 1p36.32.
Variant type: Deletion.
Coding change: c.1745del on transcript NM_014704.4 (MANE Select); coding-DNA position 1745, one base deleted (A; older notation c.1745delA).
Protein change: p.His582fs; shifts the reading frame from histidine 582.
Molecular consequence: frameshift variant.
Genome position (GRCh38, 1-based): chr1:3,831,137, T deleted on the plus strand (A on the coding strand, the reverse complement: CEP104 is on the minus strand). VCF-style (leftmost placement, unchanged base first): chr1-3831136-GT-G. GRCh37 (hg19) VCF-style: chr1-3747700-GT-G.
Other names: short protein forms H582fs.
Identifiers: ClinVar variation 3004548 (VCV003004548.3), dbSNP rs1211389550, ClinGen allele CA521016690.
Genomic context (GRCh38, chr1:3,831,136, plus strand): 5'-GCTGCCAGTGCCCAGGTCTTTCAGCAGCCGGGCCAGGAGGCCCATCTGACTCATTGCCAG[GT>G]GAACTGAAGAGTTTGCTTTCAATGGCTGCACCAGGTAGGATGGAATAATTTGGAGAGACT-3'

ClinVar aggregate classification (germline): Pathogenic (1 of 4 stars; one submission).

Conditions:
Joubert syndrome 25 (JBTS25). Identifiers: Orphanet 475, MedGen C4084842, MONDO:0014770, OMIM 616781.

Allele frequency attached by ClinVar (database versions not stated): gnomAD exomes 0.00001.

Submission:

Labcorp Genetics (formerly Invitae), Labcorp
Classification: Pathogenic for Joubert syndrome 25. Last evaluated: 2023-08-01. Review status: criteria provided, single submitter. Criteria: Invitae Variant Classification Sherloc (09022015). Collection method: clinical testing. Allele origin: germline.
Comment: For these reasons, this variant has been classified as Pathogenic. This variant has not been reported in the literature in individuals affected with CEP104-related conditions. This variant is present in population databases (no rsID available, gnomAD 0.0009%). This sequence change creates a premature translational stop signal (p.His582Profs*4) in the CEP104 gene. It is expected to result in an absent or disrupted protein product. Loss-of-function variants in CEP104 are known to be pathogenic (PMID: 26477546).

Literature cited by the submitters: PubMed 26477546.